The following is an entry in ClinVar:

ClinVar aggregate classification (germline): Pathogenic (1 of 4 stars; one submission).

Submission:

Labcorp Genetics (formerly Invitae), Labcorp
Classification: Pathogenic. Last evaluated: 2024-09-16. Review status: criteria provided, single submitter. Criteria: Invitae Variant Classification Sherloc (09022015). Collection method: clinical testing. Allele origin: germline.
Comment: This sequence change creates a premature translational stop signal (p.Lys985Asnfs*7) in the AHDC1 gene. It is expected to result in an absent or disrupted protein product. Loss-of-function variants in AHDC1 are known to be pathogenic (PMID: 24791903, 27148574). This variant is not present in population databases (gnomAD no frequency). This variant has not been reported in the literature in individuals affected with AHDC1-related conditions. For these reasons, this variant has been classified as Pathogenic.

Literature cited by the submitters: PubMed 24791903; PubMed 27148574.

NM_001371928.1(AHDC1):c.2955_2962del (p.Lys985fs)

Gene: AHDC1 (AT-hook DNA binding motif containing 1; minus strand). Cytogenetic location: 1p36.11.
Variant type: Deletion.
Coding change: c.2955_2962del on transcript NM_001371928.1 (MANE Select); coding-DNA positions 2955 to 2962, 8 bases deleted (GCCCTTTA; older notation c.2955_2962delGCCCTTTA).
Protein change: p.Lys985fs; shifts the reading frame from lysine 985.
Molecular consequence: frameshift variant.
Genome position (GRCh38, 1-based): chr1:27,549,154-27,549,161, TAAAGGGC deleted on the plus strand (GCCCTTTA on the coding strand, the reverse complement: AHDC1 is on the minus strand); deleting any 8 consecutive bases within chr1:27,549,154-27,549,162 gives the same sequence; the c. name uses the placement nearest the transcript's 3' end. VCF-style (leftmost placement, unchanged base first): chr1-27549153-GTAAAGGGC-G. GRCh37 (hg19) VCF-style: chr1-27875664-GTAAAGGGC-G.
Other names: c.2955_2962del, p.Lys985fs (NM_001029882.3); short protein forms K985fs.
Identifiers: ClinVar variation 2801916 (VCV002801916.3), dbSNP rs2521903187, ClinGen allele CA2739272440.